The following is an entry in ClinVar:

NM_001135556.2(DYNC1I1):c.544C>A (p.Leu182Met)

Gene: DYNC1I1 (dynein cytoplasmic 1 intermediate chain 1; plus strand). Cytogenetic location: 7q21.3.
Variant type: single nucleotide variant.
Coding change: c.544C>A on transcript NM_001135556.2 (MANE Select); coding-DNA position 544, C replaced by A.
Protein change: p.Leu182Met; replaces leucine 182 with methionine.
Molecular consequence: missense variant.
Genome position (GRCh38, 1-based): chr7:95,977,565, C>A. VCF-style: chr7-95977565-C-A. GRCh37 (hg19) VCF-style: chr7-95606877-C-A.
Other names: c.484C>A, p.Leu162Met (NM_001135557.2, NM_001278422.2); c.535C>A, p.Leu179Met (NM_001278421.2); c.595C>A, p.Leu199Met (NM_004411.5); short protein forms L179M, L199M, L182M, L162M.
Identifiers: ClinVar variation 711004 (VCV000711004.13), dbSNP rs35314029, ClinGen allele CA4352286.

ClinVar aggregate classification (germline): Benign. Review status: criteria provided, multiple submitters, no conflicts (2 of 4 stars). 3 submissions from 3 submitters: Benign (2). 1 of the submissions does not count toward it. Last evaluated 2025-12-25.

Conditions:
DYNC1I1-related disorder. Also called: DYNC1I1-related condition.

Allele frequency attached by ClinVar (database versions not stated): gnomAD exomes 0.00089 and 0.00217; ExAC 0.00280; gnomAD 0.00809 and 0.00858; ESP Exome Variant Server 0.00861; TOPMed 0.00930; 1000 Genomes Project 0.01118; 1000 Genomes Project 30x 0.01171.
gnomAD v4.1: 2,607 of 1,612,876 alleles (0.16%); highest among the groups gnomAD compares: African/African-American, 2.7%; 34 homozygotes.

Submissions (3):

Labcorp Genetics (formerly Invitae), Labcorp
Classification: Benign. Last evaluated: 2025-12-25. Review status: criteria provided, single submitter. Criteria: Invitae Variant Classification Sherloc (09022015). Collection method: clinical testing. Allele origin: germline.

Breakthrough Genomics
Classification: Benign. Review status: criteria provided, single submitter. Criteria: ACMG Guidelines, 2015. Collection method: not provided. Allele origin: germline. Inheritance: Unknown mechanism. Affected: yes.

PreventionGenetics, part of Exact Sciences
Classification: Benign for DYNC1I1-related condition. Last evaluated: 2019-02-18. Review status: no assertion criteria provided. Collection method: clinical testing. Allele origin: germline. Not counted in ClinVar's aggregate classification.
Comment: This variant is classified as benign based on ACMG/AMP sequence variant interpretation guidelines (Richards et al. 2015 PMID: 25741868, with internal and published modifications).